The following is an entry in ClinVar:

NM_001358530.2(MOCS1):c.1460C>T (p.Ser487Leu)

Gene: MOCS1 (molybdenum cofactor synthesis 1; minus strand). Cytogenetic location: 6p21.2.
Variant type: single nucleotide variant.
Coding change: c.1460C>T on transcript NM_001358530.2 (MANE Select); coding-DNA position 1460, C replaced by T.
Protein change: p.Ser487Leu; replaces serine 487 with leucine.
Molecular consequence: missense variant. On other transcripts: 3 prime UTR variant (4), non-coding transcript variant (1).
Genome position (GRCh38, 1-based): chr6:39,906,808, G>A on the plus strand (C>T on the coding strand, the complement: MOCS1 is on the minus strand). VCF-style: chr6-39906808-G-A. GRCh37 (hg19) VCF-style: chr6-39874584-G-A.
Other names: c.*317C>T (NM_001075098.4, NM_001358533.2, NM_001358534.2 and 1 more transcripts); c.1412C>T, p.Ser471Leu (NM_001358529.2); c.1199C>T, p.Ser400Leu (NM_001358531.2); short protein forms S400L, S471L, S487L.
Identifiers: ClinVar variation 1974245 (VCV001974245.4), dbSNP rs137901915, ClinGen allele CA3795944.

ClinVar aggregate classification (germline): Uncertain significance (1 of 4 stars; one submission).

Conditions:
Sulfite oxidase deficiency due to molybdenum cofactor deficiency type A. Also called: Molybdenum Cofactor Deficiency A; Molybdenum cofactor deficiency, complementation group A. Identifiers: Orphanet 308386, Orphanet 833, MedGen C1854988, MONDO:0009643, OMIM 252150.

Allele frequency attached by ClinVar (database versions not stated): gnomAD exomes 0.00001; gnomAD 0.00002; ExAC 0.00003; ESP Exome Variant Server 0.00008.
gnomAD v4.1: 20 of 1,614,032 alleles (0.0012%); highest among the groups gnomAD compares: Admixed American, 0.018%; no homozygotes.

Submission:

Labcorp Genetics (formerly Invitae), Labcorp
Classification: Uncertain significance for Sulfite oxidase deficiency due to molybdenum cofactor deficiency type A. Last evaluated: 2024-12-03. Review status: criteria provided, single submitter. Criteria: Invitae Variant Classification Sherloc (09022015). Collection method: clinical testing. Allele origin: germline.
Comment: This sequence change replaces serine, which is neutral and polar, with leucine, which is neutral and non-polar, at codon 487 of the MOCS1 protein (p.Ser487Leu). This variant is present in population databases (rs137901915, gnomAD 0.02%). This variant has not been reported in the literature in individuals affected with MOCS1-related conditions. ClinVar contains an entry for this variant (Variation ID: 1974245). An algorithm developed to predict the effect of missense changes on protein structure and function (PolyPhen-2) suggests that this variant is likely to be tolerated. In summary, the available evidence is currently insufficient to determine the role of this variant in disease. Therefore, it has been classified as a Variant of Uncertain Significance.